The following is an entry in ClinVar:

NM_000127.3(EXT1):c.1522del (p.Gln508fs)

Gene: EXT1 (exostosin glycosyltransferase 1; minus strand). Cytogenetic location: 8q24.11.
Variant type: Deletion.
Coding change: c.1522del on transcript NM_000127.3 (MANE Select); coding-DNA position 1522, one base deleted (C; older notation c.1522delC).
Protein change: p.Gln508fs; shifts the reading frame from glutamine 508.
Molecular consequence: frameshift variant.
Genome position (GRCh38, 1-based): chr8:117,819,690, G deleted on the plus strand (C on the coding strand, the reverse complement: EXT1 is on the minus strand); the first of 3 consecutive G bases (chr8:117,819,690-117,819,692); deleting any one gives the same sequence. VCF-style (leftmost placement, unchanged base first): chr8-117819689-TG-T. GRCh37 (hg19) VCF-style: chr8-118831928-TG-T.
Other names: short protein forms Q508fs.
Identifiers: ClinVar variation 1068987 (VCV001068987.8), dbSNP rs2129740749, ClinGen allele CA2499219102.

ClinVar aggregate classification (germline): Pathogenic. Review status: criteria provided, multiple submitters, no conflicts (2 of 4 stars). 2 submissions from 2 submitters: Pathogenic (2). Last evaluated 2021-02-24.

Conditions:
Multiple congenital exostosis (EXT). Also called: Hereditary multiple exostoses; Hereditary multiple exostosis; Hereditary multiple osteochondromas; MULTIPLE CARTILAGINOUS EXOSTOSES; Multiple osteochondromas; Multiple exostoses. Identifiers: Orphanet 321, MedGen C0015306, MONDO:0005508, HP:0002762.
EXT1-related disorders.

Submissions (2):

Blueprint Genetics
Classification: Pathogenic for EXT1-related disorders. Last evaluated: 2021-02-24. Review status: criteria provided, single submitter. Criteria: ACMG Guidelines, 2015. Collection method: clinical testing. Allele origin: de novo. Affected: yes. Observed: 1 variant allele.

Labcorp Genetics (formerly Invitae), Labcorp
Classification: Pathogenic for Multiple congenital exostosis. Last evaluated: 2020-10-06. Review status: criteria provided, single submitter. Criteria: Invitae Variant Classification Sherloc (09022015). Collection method: clinical testing. Allele origin: germline.
Comment: This sequence change creates a premature translational stop signal (p.Gln508Serfs*7) in the EXT1 gene. It is expected to result in an absent or disrupted protein product. This variant is not present in population databases (ExAC no frequency). This variant has not been reported in the literature in individuals with EXT1-related conditions. Loss-of-function variants in EXT1 are known to be pathogenic (PMID: 10679937, 11391482, 19810120). For these reasons, this variant has been classified as Pathogenic.

Literature cited by the submitters: PubMed 10679937 (cited by Labcorp Genetics (formerly Invitae), Labcorp); PubMed 11391482 (cited by Labcorp Genetics (formerly Invitae), Labcorp); PubMed 19810120 (cited by Labcorp Genetics (formerly Invitae), Labcorp).